The following is an entry in ClinVar:

ClinVar aggregate classification (germline): Pathogenic/Likely pathogenic. Review status: criteria provided, multiple submitters, no conflicts (2 of 4 stars). 3 submissions from 3 submitters: Pathogenic (1); Likely pathogenic (2). Last evaluated 2025-08-27.

Conditions:
Hereditary spherocytosis type 1. Also called: Spherocytosis type 1; ANK1-Related Spherocytosis. Identifiers: Orphanet 822, MedGen C2674218, MONDO:0008447, OMIM 182900.

Submissions (3):

Mayo Clinic Laboratories, Mayo Clinic
Classification: Likely pathogenic. Last evaluated: 2025-08-27. Review status: criteria provided, single submitter. Criteria: ACMG Guidelines, 2015. Collection method: clinical testing. Allele origin: germline. Observed: 1 variant allele.
Comment: PM2_supporting, PVS1

Labcorp Genetics (formerly Invitae), Labcorp
Classification: Pathogenic. Last evaluated: 2025-08-18. Review status: criteria provided, single submitter. Criteria: Invitae Variant Classification Sherloc (09022015). Collection method: clinical testing. Allele origin: germline.
Comment: This sequence change creates a premature translational stop signal (p.Gly1165Thrfs*23) in the ANK1 gene. It is expected to result in an absent or disrupted protein product. Loss-of-function variants in ANK1 are known to be pathogenic (PMID: 8640229). This variant is not present in population databases (gnomAD no frequency). This variant has not been reported in the literature in individuals affected with ANK1-related conditions. For these reasons, this variant has been classified as Pathogenic.

3billion
Classification: Likely pathogenic for Hereditary spherocytosis type 1. Last evaluated: 2024-02-15. Review status: criteria provided, single submitter. Criteria: ACMG Guidelines, 2015. Collection method: clinical testing. Allele origin: germline. Affected: yes.
Comment: The variant is not observed in the gnomAD v2.1.1 dataset. Predicted Consequence/Location: Frameshift: predicted to result in a loss or disruption of normal protein function through nonsense-mediated decay (NMD) or protein truncation. Multiple pathogenic variants are reported downstream of the variant. Therefore, this variant is classified as Likely pathogenic according to the recommendation of ACMG/AMP guideline.

Literature cited by the submitters: PubMed 8640229 (cited by Labcorp Genetics (formerly Invitae), Labcorp).

NM_000037.4(ANK1):c.3493_3496del (p.Gly1165fs)

Gene: ANK1 (ankyrin 1; minus strand). Cytogenetic location: 8p11.21.
Variant type: Microsatellite.
Coding change: c.3493_3496del on transcript NM_000037.4 (MANE Select); coding-DNA positions 3493 to 3496, 4 bases deleted (GGAG; older notation c.3493_3496delGGAG).
Protein change: p.Gly1165fs; shifts the reading frame from glycine 1165.
Molecular consequence: frameshift variant.
Genome position (GRCh38, 1-based): chr8:41,693,934-41,693,937, CTCC deleted on the plus strand (GGAG on the coding strand, the reverse complement: ANK1 is on the minus strand); deleting any 4 consecutive bases within chr8:41,693,934-41,693,942 gives the same sequence; the c. name uses the placement nearest the transcript's 3' end. VCF-style (leftmost placement, unchanged base first): chr8-41693933-TCTCC-T. GRCh37 (hg19) VCF-style: chr8-41551451-TCTCC-T.
Other names: p.Gly1165Thrfs*23; c.3616_3619del, p.Gly1206fs (NM_001142446.2); c.3493_3496del, p.Gly1165fs (NM_020475.3, NM_020476.3, NM_020477.3); short protein forms G1165fs, G1206fs.
Identifiers: ClinVar variation 3776056 (VCV003776056.3).